The following is an entry in ClinVar:

NM_016327.3(UPB1):c.916+4T>C

Gene: UPB1 (beta-ureidopropionase 1; plus strand). Cytogenetic location: 22q11.23.
Variant type: single nucleotide variant.
Coding change: c.916+4T>C on transcript NM_016327.3 (MANE Select); 4 bases into the intron after coding-DNA position 916, T replaced by C.
Molecular consequence: intron variant.
Genome position (GRCh38, 1-based): chr22:24,522,032, T>C. VCF-style: chr22-24522032-T-C. GRCh37 (hg19) VCF-style: chr22-24918000-T-C.
Identifiers: ClinVar variation 1503747 (VCV001503747.6), dbSNP rs936996405, ClinGen allele CA322680801.
Genomic context (GRCh38, chr22:24,522,032, plus strand): 5'-GTCTTATTTCACAGGAGCACTTCCCGAACGAGTTTACCTCGGGAGATGGAAAGAAAGGTA[T>C]GTCCCATGAACCATGGTGGCTGCAGTTGAGGAGTGGGCCTTCCTCTCCCCTTCTCTGTCT-3'

ClinVar aggregate classification (germline): Uncertain significance (1 of 4 stars; one submission).

Allele frequency attached by ClinVar (database versions not stated): gnomAD exomes below 0.00001; TOPMed 0.00002.
gnomAD v4.1: 4 of 1,613,900 alleles (0.00025%); highest among the groups gnomAD compares: Admixed American, 0.005%; no homozygotes.

Submission:

Labcorp Genetics (formerly Invitae), Labcorp
Classification: Uncertain significance. Last evaluated: 2022-07-06. Review status: criteria provided, single submitter. Criteria: Invitae Variant Classification Sherloc (09022015). Collection method: clinical testing. Allele origin: germline.
Comment: This variant is present in population databases (no rsID available, gnomAD 0.003%). In summary, the available evidence is currently insufficient to determine the role of this variant in disease. Therefore, it has been classified as a Variant of Uncertain Significance. Variants that disrupt the consensus splice site are a relatively common cause of aberrant splicing (PMID: 17576681, 9536098). Algorithms developed to predict the effect of sequence changes on RNA splicing suggest that this variant is not likely to affect RNA splicing. ClinVar contains an entry for this variant (Variation ID: 1503747). This variant has not been reported in the literature in individuals affected with UPB1-related conditions. This sequence change falls in intron 8 of the UPB1 gene. It does not directly change the encoded amino acid sequence of the UPB1 protein. It affects a nucleotide within the consensus splice site.

Literature cited by the submitters: PubMed 17576681; PubMed 9536098.